The following is an entry in ClinVar:

ClinVar aggregate classification (germline): Likely benign. Review status: criteria provided, multiple submitters, no conflicts (2 of 4 stars). 2 submissions from 2 submitters: Likely benign (2). Last evaluated 2026-04-01.

Allele frequency attached by ClinVar (database versions not stated): gnomAD 0.00001 and 0.00002; ExAC 0.00002; gnomAD exomes 0.00002 and 0.00004; TOPMed 0.00002; 1000 Genomes Project 30x 0.00016; 1000 Genomes Project 0.00020.
gnomAD v4.1: 32 of 1,614,104 alleles (0.002%); highest among the groups gnomAD compares: Admixed American, 0.0067%; no homozygotes.

Submissions (2):

CeGaT Center for Human Genetics Tuebingen
Classification: Likely benign. Last evaluated: 2026-04-01. Review status: criteria provided, single submitter. Criteria: CeGaT Center For Human Genetics Tuebingen Variant Classification Criteria Version 2. Collection method: clinical testing. Allele origin: germline. Affected: yes. Observed: 1 variant allele.
Comment: CSF1R: BP4, BP7

Labcorp Genetics (formerly Invitae), Labcorp
Classification: Likely benign. Last evaluated: 2025-09-23. Review status: criteria provided, single submitter. Criteria: Invitae Variant Classification Sherloc (09022015). Collection method: clinical testing. Allele origin: germline.

NM_001288705.3(CSF1R):c.2349C>T (p.Asn783=)

Gene: CSF1R (colony stimulating factor 1 receptor; minus strand). Cytogenetic location: 5q32.
Variant type: single nucleotide variant.
Coding change: c.2349C>T on transcript NM_001288705.3 (MANE Select); coding-DNA position 2349, C replaced by T.
Protein change: p.Asn783=; no amino-acid change (asparagine 783 retained).
Molecular consequence: synonymous variant. On other transcripts: non-coding transcript variant (2).
Genome position (GRCh38, 1-based): chr5:150,056,312, G>A on the plus strand (C>T on the coding strand, the complement: CSF1R is on the minus strand). VCF-style: chr5-150056312-G-A. GRCh37 (hg19) VCF-style: chr5-149435875-G-A.
Other names: c.2349C>T, p.Asn783= (NM_001349736.2, NM_001375320.1, NM_005211.4); c.1905C>T, p.Asn635= (NM_001375321.1).
Identifiers: ClinVar variation 764800 (VCV000764800.6), dbSNP rs532507565, ClinGen allele CA3506450.